The following is an entry in ClinVar:

NM_005726.6(TSFM):c.106G>T (p.Ala36Ser)

Gene: TSFM (Ts translation elongation factor, mitochondrial; plus strand). Cytogenetic location: 12q14.1.
Variant type: single nucleotide variant.
Coding change: c.106G>T on transcript NM_005726.6 (MANE Select); coding-DNA position 106, G replaced by T.
Protein change: p.Ala36Ser; replaces alanine 36 with serine.
Molecular consequence: missense variant.
Genome position (GRCh38, 1-based): chr12:57,783,158, G>T. VCF-style: chr12-57783158-G-T. GRCh37 (hg19) VCF-style: chr12-58176941-G-T.
Other names: c.106G>T, p.Ala36Ser (NM_001172695.2, NM_001172696.2, NM_001172697.2); short protein forms A36S.
Identifiers: ClinVar variation 2202442 (VCV002202442.1), dbSNP rs963304307, ClinGen allele CA237827905.

ClinVar aggregate classification (germline): Uncertain significance (1 of 4 stars; one submission).

Allele frequency attached by ClinVar (database versions not stated): gnomAD exomes below 0.00001.
gnomAD v4.1: 1 of 1,613,052 alleles (0.000062%); highest among the groups gnomAD compares: Non-Finnish European, 0.000085%; no homozygotes.

Submission:

Labcorp Genetics (formerly Invitae), Labcorp
Classification: Uncertain significance. Last evaluated: 2022-05-25. Review status: criteria provided, single submitter. Criteria: Invitae Variant Classification Sherloc (09022015). Collection method: clinical testing. Allele origin: germline.
Comment: This sequence change replaces alanine, which is neutral and non-polar, with serine, which is neutral and polar, at codon 36 of the TSFM protein (p.Ala36Ser). This variant is present in population databases (no rsID available, gnomAD 0.0009%). This variant has not been reported in the literature in individuals affected with TSFM-related conditions. Algorithms developed to predict the effect of missense changes on protein structure and function output the following: SIFT: "Tolerated"; PolyPhen-2: "Benign"; Align-GVGD: "Class C0". The serine amino acid residue is found in multiple mammalian species, which suggests that this missense change does not adversely affect protein function. In summary, the available evidence is currently insufficient to determine the role of this variant in disease. Therefore, it has been classified as a Variant of Uncertain Significance.